The following is an entry in ClinVar:

NM_020738.4(KIDINS220):c.3190+8T>C

Gene: KIDINS220 (kinase D interacting substrate 220; minus strand). Cytogenetic location: 2p25.1.
Variant type: single nucleotide variant.
Coding change: c.3190+8T>C on transcript NM_020738.4 (MANE Select); 8 bases into the intron after coding-DNA position 3190, T replaced by C.
Molecular consequence: intron variant.
Genome position (GRCh38, 1-based): chr2:8,751,458, A>G on the plus strand (T>C on the coding strand, the complement: KIDINS220 is on the minus strand). VCF-style: chr2-8751458-A-G. GRCh37 (hg19) VCF-style: chr2-8891588-A-G.
Other names: c.3190+8T>C (NM_001348741.2, NM_001348738.2, NM_001348742.2 and 3 more transcripts); c.3193+8T>C (NM_001348739.2, NM_001348740.2, NM_001348734.2 and 2 more transcripts); c.3064+8T>C (NM_001348736.2).
Identifiers: ClinVar variation 4978532 (VCV004978532.1).

ClinVar aggregate classification (germline): Likely benign (1 of 4 stars; one submission).

Conditions:
KIDINS220-related disorder. Also called: KIDINS220-related condition.

Submission:

PreventionGenetics, part of Exact Sciences
Classification: Likely benign for KIDINS220-related condition. Last evaluated: 2025-01-25. Review status: criteria provided, single submitter. Criteria: ACMG Guidelines, 2015. Collection method: clinical testing. Allele origin: germline.
Comment: This variant is classified as likely benign based on ACMG/AMP sequence variant interpretation guidelines (Richards et al. 2015 PMID: 25741868, with internal and published modifications).